The following is an entry in ClinVar:

ClinVar aggregate classification (germline): Likely benign (1 of 4 stars; one submission).

Allele frequency attached by ClinVar (database versions not stated): gnomAD exomes below 0.00001.
gnomAD v4.1: 1 of 1,614,078 alleles (0.000062%); highest among the groups gnomAD compares: Non-Finnish European, 0.000085%; no homozygotes.

Submission:

CeGaT Center for Human Genetics Tuebingen
Classification: Likely benign. Last evaluated: 2022-08-01. Review status: criteria provided, single submitter. Criteria: CeGaT Center For Human Genetics Tuebingen Variant Classification Criteria Version 2. Collection method: clinical testing. Allele origin: germline. Affected: yes. Observed: 1 variant allele.
Comment: WDR37: BP4, BP7

NM_014023.4(WDR37):c.1083T>C (p.Asn361=)

Gene: WDR37 (WD repeat domain 37; plus strand). Cytogenetic location: 10p15.3.
Variant type: single nucleotide variant.
Coding change: c.1083T>C on transcript NM_014023.4 (MANE Select); coding-DNA position 1083, T replaced by C.
Protein change: p.Asn361=; no amino-acid change (asparagine 361 retained).
Molecular consequence: synonymous variant.
Genome position (GRCh38, 1-based): chr10:1,105,247, T>C. VCF-style: chr10-1105247-T-C. GRCh37 (hg19) VCF-style: chr10-1151187-T-C.
Identifiers: ClinVar variation 2640276 (VCV002640276.24), dbSNP rs1454161004, ClinGen allele CA467946784.